The following is an entry in ClinVar:

ClinVar aggregate classification (germline): Pathogenic (1 of 4 stars; one submission).

Conditions:
MEGF10-related myopathy (CMYO10A). Also called: Congenital myopathy 10A, severe variant. Identifiers: Orphanet 439212, MedGen C3280679, MONDO:0013731, OMIM 614399.

Submission:

Labcorp Genetics (formerly Invitae), Labcorp
Classification: Pathogenic for MEGF10-related myopathy. Last evaluated: 2023-06-30. Review status: criteria provided, single submitter. Criteria: Invitae Variant Classification Sherloc (09022015). Collection method: clinical testing. Allele origin: germline.
Comment: This sequence change creates a premature translational stop signal (p.Cys507Glyfs*30) in the MEGF10 gene. It is expected to result in an absent or disrupted protein product. Loss-of-function variants in MEGF10 are known to be pathogenic (PMID: 22101682, 22371254, 23453856, 23954233). For these reasons, this variant has been classified as Pathogenic. Algorithms developed to predict the effect of sequence changes on RNA splicing suggest that this variant may disrupt the consensus splice site. ClinVar contains an entry for this variant (Variation ID: 1351978). This variant has not been reported in the literature in individuals affected with MEGF10-related conditions. This variant is not present in population databases (gnomAD no frequency).

Literature cited by the submitters: PubMed 22101682; PubMed 22371254; PubMed 23453856; PubMed 23954233.

NM_001256545.2(MEGF10):c.1518_1528del (p.Cys507fs)

Gene: MEGF10 (multiple EGF like domains 10; plus strand). Cytogenetic location: 5q23.2.
Variant type: Deletion.
Coding change: c.1518_1528del on transcript NM_001256545.2 (MANE Select); coding-DNA positions 1518 to 1528, 11 bases deleted (CTGCAACACCC).
Protein change: p.Cys507fs; shifts the reading frame from cysteine 507.
Molecular consequence: frameshift variant.
Genome position (GRCh38, 1-based): chr5:127,420,135-127,420,145, CTGCAACACCC deleted; deleting any 11 consecutive bases within chr5:127,420,134-127,420,145 gives the same sequence; the c. name uses the placement nearest the transcript's 3' end. VCF-style (leftmost placement, unchanged base first): chr5-127420133-GCCTGCAACACC-G. GRCh37 (hg19) VCF-style: chr5-126755825-GCCTGCAACACC-G.
Other names: c.1518_1528del, p.Cys507fs (NM_001308119.2, NM_001308121.2, NM_032446.3); short protein forms C507fs.
Identifiers: ClinVar variation 1351978 (VCV001351978.6), dbSNP rs2126973413, ClinGen allele CA2573138717.
Genomic context (GRCh38, chr5:127,420,133, plus strand): 5'-TGTCCCAGTGGCACATGGGGCTTTGGCTGTAACTTAACATGCCAGTGCCTCAACGGGGGA[GCCTGCAACACC>G]CTGGACGGGACCTGCACGTGTGCACCTGGATGGCGCGGGGAGAAATGCGAACTTCCCTGC-3'